The following is an entry in ClinVar:

NM_001386298.1(CIC):c.6120C>T (p.Ala2040=)

Gene: CIC (capicua transcriptional repressor; plus strand). Cytogenetic location: 19q13.2.
Variant type: single nucleotide variant.
Coding change: c.6120C>T on transcript NM_001386298.1 (MANE Select); coding-DNA position 6120, C replaced by T.
Protein change: p.Ala2040=; no amino-acid change (alanine 2040 retained).
Molecular consequence: synonymous variant.
Genome position (GRCh38, 1-based): chr19:42,292,783, C>T. VCF-style: chr19-42292783-C-T. GRCh37 (hg19) VCF-style: chr19-42796935-C-T.
Other names: c.3390C>T, p.Ala1130= (NM_001439191.1); c.3393C>T, p.Ala1131= (NM_015125.5, NM_001379484.1, NM_001379485.1 and 2 more transcripts); c.6120C>T, p.Ala2040= (NM_001304815.2, NM_001379480.1, NM_001379482.1 and 6 more transcripts).
Identifiers: ClinVar variation 4821959 (VCV004821959.4).

ClinVar aggregate classification (germline): Likely benign (1 of 4 stars; one submission).

gnomAD v4.1: 99 of 1,613,640 alleles (0.0061%); highest among the groups gnomAD compares: African/African-American, 0.12%; no homozygotes.

Submission:

CeGaT Center for Human Genetics Tuebingen
Classification: Likely benign. Last evaluated: 2025-12-01. Review status: criteria provided, single submitter. Criteria: CeGaT Center For Human Genetics Tuebingen Variant Classification Criteria Version 2. Collection method: clinical testing. Allele origin: germline. Affected: yes. Observed: 1 variant allele.
Comment: CIC: BP4, BP7